The following is an entry in ClinVar:

NM_001009944.3(PKD1):c.2172C>T (p.Gly724=)

Gene: PKD1 (polycystin 1, transient receptor potential channel interacting; minus strand). Cytogenetic location: 16p13.3.
Variant type: single nucleotide variant.
Coding change: c.2172C>T on transcript NM_001009944.3 (MANE Select); coding-DNA position 2172, C replaced by T.
Protein change: p.Gly724=; no amino-acid change (glycine 724 retained).
Molecular consequence: synonymous variant.
Genome position (GRCh38, 1-based): chr16:2,114,851, G>A on the plus strand (C>T on the coding strand, the complement: PKD1 is on the minus strand). VCF-style: chr16-2114851-G-A. GRCh37 (hg19) VCF-style: chr16-2164852-G-A.
Other names: c.2172C>T, p.Gly724= (NM_000296.4).
Identifiers: ClinVar variation 3047566 (VCV003047566.2), dbSNP rs1299321668, ClinGen allele CA492974363.

ClinVar aggregate classification (germline): Likely benign (0 of 4 stars; one submission).

Conditions:
PKD1-related disorder. Also called: PKD1-related condition.

Allele frequency attached by ClinVar (database versions not stated): gnomAD exomes 0.00001; TOPMed 0.00003.

Submission:

PreventionGenetics, part of Exact Sciences
Classification: Likely benign for PKD1-related condition. Last evaluated: 2023-08-17. Review status: no assertion criteria provided. Collection method: clinical testing. Allele origin: germline.
Comment: This variant is classified as likely benign based on ACMG/AMP sequence variant interpretation guidelines (Richards et al. 2015 PMID: 25741868, with internal and published modifications).